The following is an entry in ClinVar:

NM_000868.4(HTR2C):c.203T>C (p.Ile68Thr)

Gene: HTR2C (5-hydroxytryptamine receptor 2C; plus strand). Cytogenetic location: Xq23.
Variant type: single nucleotide variant.
Coding change: c.203T>C on transcript NM_000868.4 (MANE Select); coding-DNA position 203, T replaced by C.
Protein change: p.Ile68Thr; replaces isoleucine 68 with threonine.
Molecular consequence: missense variant.
Genome position (GRCh38, 1-based): chrX:114,731,461, T>C. VCF-style: chrX-114731461-T-C. GRCh37 (hg19) VCF-style: chrX-113965870-T-C.
Other names: c.203T>C, p.Ile68Thr (NM_001256760.3, NM_001256761.3); c.203T>C (NM_000868.3); short protein forms I68T.
Identifiers: ClinVar variation 2536578 (VCV002536578.3), dbSNP rs2069536599, ClinGen allele CA414318148.

ClinVar aggregate classification (germline): Uncertain significance. Review status: criteria provided, multiple submitters, no conflicts (2 of 4 stars). 2 submissions from 2 submitters: Uncertain significance (2). Last evaluated 2025-11-12.

Conditions:
HTR2C-related disorder. Also called: HTR2C-related condition.

Allele frequency attached by ClinVar (database versions not stated): gnomAD exomes below 0.00001.

Submissions (2):

PreventionGenetics, part of Exact Sciences
Classification: Uncertain significance for HTR2C-related condition. Last evaluated: 2025-11-12. Review status: criteria provided, single submitter. Criteria: ACMG Guidelines, 2015. Collection method: clinical testing. Allele origin: germline.
Comment: The HTR2C c.203T>C variant is predicted to result in the amino acid substitution p.Ile68Thr. To our knowledge, this variant has not been reported in the literature or in a large population database (gnomAD), indicating this variant is rare. At this time, the clinical significance of this variant is uncertain due to the absence of conclusive functional and genetic evidence.

Ambry Genetics
Classification: Uncertain significance. Last evaluated: 2023-04-12. Review status: criteria provided, single submitter. Criteria: Ambry Variant Classification Scheme 2023. Collection method: clinical testing. Allele origin: germline.